The following is an entry in ClinVar:

NM_000891.3(KCNJ2):c.1193C>A (p.Thr398Asn)

Gene: KCNJ2 (potassium inwardly rectifying channel subfamily J member 2; plus strand). Cytogenetic location: 17q24.3.
Variant type: single nucleotide variant.
Coding change: c.1193C>A on transcript NM_000891.3 (MANE Select); coding-DNA position 1193, C replaced by A.
Protein change: p.Thr398Asn; replaces threonine 398 with asparagine.
Molecular consequence: missense variant.
Genome position (GRCh38, 1-based): chr17:70,176,232, C>A. VCF-style: chr17-70176232-C-A. GRCh37 (hg19) VCF-style: chr17-68172373-C-A.
Other names: short protein forms T398N.
Identifiers: ClinVar variation 2953334 (VCV002953334.3), dbSNP rs2509921838, ClinGen allele CA400863941.

ClinVar aggregate classification (germline): Uncertain significance (1 of 4 stars; one submission).

Conditions:
Andersen Tawil syndrome (LQT7). Also called: ANDERSEN CARDIODYSRHYTHMIC PERIODIC PARALYSIS; Andersen Syndrome; Potassium-sensitive periodic paralysis, ventricular ectopy, and dysmorphic features; LONG QT SYNDROME 7; PERIODIC PARALYSIS, POTASSIUM-SENSITIVE CARDIODYSRHYTHMIC TYPE. Identifiers: Orphanet 37553, MedGen C1563715, MONDO:0008222, OMIM 170390.
Short QT syndrome type 3. Identifiers: Orphanet 51083, MedGen C1865018, MONDO:0012314, OMIM 609622.

Submission:

Labcorp Genetics (formerly Invitae), Labcorp
Classification: Uncertain significance for Short QT syndrome type 3; Andersen Tawil syndrome. Last evaluated: 2024-10-10. Review status: criteria provided, single submitter. Criteria: Invitae Variant Classification Sherloc (09022015). Collection method: clinical testing. Allele origin: germline.
Comment: This sequence change replaces threonine, which is neutral and polar, with asparagine, which is neutral and polar, at codon 398 of the KCNJ2 protein (p.Thr398Asn). This variant is not present in population databases (gnomAD no frequency). This variant has not been reported in the literature in individuals affected with KCNJ2-related conditions. Invitae Evidence Modeling of protein sequence and biophysical properties (such as structural, functional, and spatial information, amino acid conservation, physicochemical variation, residue mobility, and thermodynamic stability) indicates that this missense variant is not expected to disrupt KCNJ2 protein function with a negative predictive value of 95%. In summary, the available evidence is currently insufficient to determine the role of this variant in disease. Therefore, it has been classified as a Variant of Uncertain Significance.